The following is an entry in ClinVar:

ClinVar aggregate classification (germline): Uncertain significance (1 of 4 stars; one submission).

Allele frequency attached by ClinVar (database versions not stated): gnomAD exomes below 0.00001.
gnomAD v4.1: 1 of 1,613,960 alleles (0.000062%); highest among the groups gnomAD compares: Non-Finnish European, 0.000085%; no homozygotes.

Submission:

Ambry Genetics
Classification: Uncertain significance. Last evaluated: 2021-06-13. Review status: criteria provided, single submitter. Criteria: Ambry Variant Classification Scheme 2023. Collection method: clinical testing. Allele origin: germline.
Comment: The p.S779F variant (also known as c.2336C>T), located in coding exon 15 of the POLQ gene, results from a C to T substitution at nucleotide position 2336. The serine at codon 779 is replaced by phenylalanine, an amino acid with highly dissimilar properties. This amino acid position is conserved. In addition, the in silico prediction for this alteration is inconclusive. Since supporting evidence is limited at this time, the clinical significance of this alteration remains unclear.

NM_199420.4(POLQ):c.2336C>T (p.Ser779Phe)

Gene: POLQ (DNA polymerase theta; minus strand). Cytogenetic location: 3q13.33.
Variant type: single nucleotide variant.
Coding change: c.2336C>T on transcript NM_199420.4 (MANE Select); coding-DNA position 2336, C replaced by T.
Protein change: p.Ser779Phe; replaces serine 779 with phenylalanine.
Molecular consequence: missense variant.
Genome position (GRCh38, 1-based): chr3:121,493,664, G>A on the plus strand (C>T on the coding strand, the complement: POLQ is on the minus strand). VCF-style: chr3-121493664-G-A. GRCh37 (hg19) VCF-style: chr3-121212511-G-A.
Other names: short protein forms S779F.
Identifiers: ClinVar variation 1789780 (VCV001789780.2), dbSNP rs1560099173, ClinGen allele CA354108160.
Genomic context (GRCh38, chr3:121,493,664, plus strand): 5'-ACCCGAACCAGGTCACACAGCTCCCTCTGGATGCCAAACGTAAGACGCTTCTGAAATTGG[G>A]AAAGTAGTAGTTCCATGTTGTGCCAGCCCAGACGGTTGGAAAATACTGTAATCATCCCTA-3'
Protein context (NP_955452.3, residues 769-789): LGWHNMELLL[Ser779Phe]QFQKRLTFGI